The following is an entry in ClinVar:

ClinVar aggregate classification (germline): Uncertain significance (1 of 4 stars; one submission).

Allele frequency attached by ClinVar (database versions not stated): ExAC 0.00001; gnomAD exomes below 0.00001.
gnomAD v4.1: 6 of 1,610,820 alleles (0.00037%); highest among the groups gnomAD compares: South Asian, 0.0066%; no homozygotes.

Submission:

Quest Diagnostics Nichols Institute San Juan Capistrano
Classification: Uncertain significance. Last evaluated: 2025-06-10. Review status: criteria provided, single submitter. Criteria: Quest Diagnostics criteria. Collection method: clinical testing. Allele origin: unknown.
Comment: The NBN c.475A>T (p.Ile159Phe) variant has not been reported in individuals with NBN-related conditions in the published literature. The frequency of this variant in the general population (Genome Aggregation Database) is uninformative in the assessment of its pathogenicity. Analysis of this variant using bioinformatics tools for the prediction of the effect of amino acid changes on protein structure and function yielded conflicting predictions that this variant is benign or damaging. Based on the available information, we are unable to determine the clinical significance of this variant.

NM_002485.5(NBN):c.475A>T (p.Ile159Phe)

Gene: NBN (nibrin; minus strand). Cytogenetic location: 8q21.3.
Variant type: single nucleotide variant.
Coding change: c.475A>T on transcript NM_002485.5 (MANE Select); coding-DNA position 475, A replaced by T.
Protein change: p.Ile159Phe; replaces isoleucine 159 with phenylalanine.
Molecular consequence: missense variant.
Genome position (GRCh38, 1-based): chr8:89,980,739, T>A on the plus strand (A>T on the coding strand, the complement: NBN is on the minus strand). VCF-style: chr8-89980739-T-A. GRCh37 (hg19) VCF-style: chr8-90992967-T-A.
Other names: c.229A>T, p.Ile77Phe (NM_001024688.3); short protein forms I159F, I77F.
Identifiers: ClinVar variation 4533049 (VCV004533049.1), dbSNP rs747319065.